The following is an entry in ClinVar:

ClinVar aggregate classification (germline): Uncertain significance (1 of 4 stars; one submission).

Submission:

Labcorp Genetics (formerly Invitae), Labcorp
Classification: Uncertain significance. Last evaluated: 2024-09-14. Review status: criteria provided, single submitter. Criteria: Invitae Variant Classification Sherloc (09022015). Collection method: clinical testing. Allele origin: germline.
Comment: This sequence change replaces proline, which is neutral and non-polar, with arginine, which is basic and polar, at codon 1032 of the SORL1 protein (p.Pro1032Arg). This variant is not present in population databases (gnomAD no frequency). This variant has not been reported in the literature in individuals affected with SORL1-related conditions. An algorithm developed to predict the effect of missense changes on protein structure and function (PolyPhen-2) suggests that this variant is likely to be disruptive. In summary, the available evidence is currently insufficient to determine the role of this variant in disease. Therefore, it has been classified as a Variant of Uncertain Significance.

NM_003105.6(SORL1):c.3095C>G (p.Pro1032Arg)

Gene: SORL1 (sortilin related receptor 1; plus strand). Cytogenetic location: 11q24.1.
Variant type: single nucleotide variant.
Coding change: c.3095C>G on transcript NM_003105.6 (MANE Select); coding-DNA position 3095, C replaced by G.
Protein change: p.Pro1032Arg; replaces proline 1032 with arginine.
Molecular consequence: missense variant.
Genome position (GRCh38, 1-based): chr11:121,566,985, C>G. VCF-style: chr11-121566985-C-G. GRCh37 (hg19) VCF-style: chr11-121437694-C-G.
Other names: short protein forms P1032R.
Identifiers: ClinVar variation 3678255 (VCV003678255.2).